The following is an entry in ClinVar:

ClinVar aggregate classification (germline): Likely benign. Review status: criteria provided, multiple submitters, no conflicts (2 of 4 stars). 2 submissions from 2 submitters: Likely benign (2). Last evaluated 2026-01-28.

Conditions:
Birt-Hogg-Dube syndrome 1 (BHD1). Also called: FIBROFOLLICULOMAS WITH TRICHODISCOMAS AND ACROCHORDONS. Identifiers: Orphanet 122, MedGen CN375946, MONDO:0800445, OMIM 135150.
Birt-Hogg-Dube syndrome. Also called: Birt Hogg Dubé syndrome. Identifiers: Orphanet 122, MedGen C0346010, MONDO:0800444.

Allele frequency attached by ClinVar (database versions not stated): gnomAD exomes below 0.00001; gnomAD 0.00001.
gnomAD v4.1: 2 of 1,614,092 alleles (0.00012%); highest among the groups gnomAD compares: Non-Finnish European, 0.00017%; no homozygotes.

Submissions (2):

Labcorp Genetics (formerly Invitae), Labcorp
Classification: Likely benign for Birt-Hogg-Dube syndrome. Last evaluated: 2026-01-28. Review status: criteria provided, single submitter. Criteria: Invitae Variant Classification Sherloc (09022015). Collection method: clinical testing. Allele origin: germline.

Myriad Genetics, Inc.
Classification: Likely benign for Birt-Hogg-Dube syndrome 1. Last evaluated: 2024-10-23. Review status: criteria provided, single submitter. Criteria: Myriad Autosomal Dominant, Autosomal Recessive and X-Linked Classification Criteria (2023). Collection method: clinical testing. Allele origin: unknown.
Comment: This variant is considered likely benign. This variant is intronic and is not expected to impact mRNA splicing.

NM_144997.7(FLCN):c.779+8G>T

Gene: FLCN (folliculin; minus strand). Cytogenetic location: 17p11.2.
Variant type: single nucleotide variant.
Coding change: c.779+8G>T on transcript NM_144997.7 (MANE Select); 8 bases into the intron after coding-DNA position 779, G replaced by T.
Molecular consequence: intron variant.
Genome position (GRCh38, 1-based): chr17:17,222,493, C>A on the plus strand (G>T on the coding strand, the complement: FLCN is on the minus strand). VCF-style: chr17-17222493-C-A. GRCh37 (hg19) VCF-style: chr17-17125807-C-A.
Other names: c.779+8G>T (NM_001353230.2, NM_144606.7, NM_001353231.2); c.833+8G>T (NM_001353229.2).
Identifiers: ClinVar variation 705586 (VCV000705586.8), dbSNP rs1260972155, ClinGen allele CA625314081.